The following is an entry in ClinVar:

ClinVar aggregate classification (germline): Uncertain significance (1 of 4 stars; one submission).

Conditions:
Developmental and epileptic encephalopathy, 32 (DEE32). Also called: Epileptic encephalopathy, early infantile, 32. Identifiers: Orphanet 442835, MedGen C4225350, MONDO:0014607, OMIM 616366.

Submission:

Labcorp Genetics (formerly Invitae), Labcorp
Classification: Uncertain significance for Developmental and epileptic encephalopathy, 32. Last evaluated: 2020-10-06. Review status: criteria provided, single submitter. Criteria: Invitae Variant Classification Sherloc (09022015). Collection method: clinical testing. Allele origin: germline.
Comment: In summary, the available evidence is currently insufficient to determine the role of this variant in disease. Therefore, it has been classified as a Variant of Uncertain Significance. Advanced modeling of protein sequence and biophysical properties (such as structural, functional, and spatial information, amino acid conservation, physicochemical variation, residue mobility, and thermodynamic stability) performed at Invitae indicates that this missense variant is expected to disrupt KCNA2 protein function. This variant has not been reported in the literature in individuals with KCNA2-related conditions. This variant is not present in population databases (ExAC no frequency). This sequence change replaces aspartic acid with alanine at codon 259 of the KCNA2 protein (p.Asp259Ala). The aspartic acid residue is highly conserved and there is a moderate physicochemical difference between aspartic acid and alanine.

NM_004974.4(KCNA2):c.776A>C (p.Asp259Ala)

Gene: KCNA2 (potassium voltage-gated channel subfamily A member 2; minus strand). Cytogenetic location: 1p13.3.
Variant type: single nucleotide variant.
Coding change: c.776A>C on transcript NM_004974.4 (MANE Select); coding-DNA position 776, A replaced by C.
Protein change: p.Asp259Ala; replaces aspartic acid 259 with alanine.
Molecular consequence: missense variant.
Genome position (GRCh38, 1-based): chr1:110,604,007, T>G on the plus strand (A>C on the coding strand, the complement: KCNA2 is on the minus strand). VCF-style: chr1-110604007-T-G. GRCh37 (hg19) VCF-style: chr1-111146629-T-G.
Other names: c.776A>C, p.Asp259Ala (NM_001204269.2); short protein forms D259A.
Identifiers: ClinVar variation 1010948 (VCV001010948.9), dbSNP rs1649479585, ClinGen allele CA341603221.